The following is an entry in ClinVar:

ClinVar aggregate classification (germline): Uncertain significance (1 of 4 stars; one submission).

Conditions:
Ehlers-Danlos syndrome, classic type, 1 (EDSCL1). Also called: EHLERS-DANLOS SYNDROME, GRAVIS TYPE; EHLERS-DANLOS SYNDROME, SEVERE CLASSIC TYPE; Ehlers-Danlos syndrome, type 1; Ehlers-Danlos Syndrome, Classic Type, COL5A1-Related; EDS I. Identifiers: MedGen C0268335, MONDO:0019567, OMIM 130000.

Allele frequency attached by ClinVar (database versions not stated): gnomAD exomes below 0.00001; TOPMed below 0.00001.
gnomAD v4.1: 2 of 1,590,182 alleles (0.00013%); highest among the groups gnomAD compares: East Asian, 0.0023%; no homozygotes.

Submission:

Labcorp Genetics (formerly Invitae), Labcorp
Classification: Uncertain significance for Ehlers-Danlos syndrome, classic type, 1. Last evaluated: 2022-12-08. Review status: criteria provided, single submitter. Criteria: Invitae Variant Classification Sherloc (09022015). Collection method: clinical testing. Allele origin: germline.
Comment: In summary, the available evidence is currently insufficient to determine the role of this variant in disease. Therefore, it has been classified as a Variant of Uncertain Significance. Advanced modeling of protein sequence and biophysical properties (such as structural, functional, and spatial information, amino acid conservation, physicochemical variation, residue mobility, and thermodynamic stability) performed at Invitae indicates that this missense variant is not expected to disrupt COL5A1 protein function. This variant has not been reported in the literature in individuals affected with COL5A1-related conditions. This variant is not present in population databases (gnomAD no frequency). This sequence change replaces glutamine, which is neutral and polar, with arginine, which is basic and polar, at codon 1128 of the COL5A1 protein (p.Gln1128Arg).

NM_000093.5(COL5A1):c.3383A>G (p.Gln1128Arg)

Gene: COL5A1 (collagen type V alpha 1 chain; plus strand). Cytogenetic location: 9q34.3.
Variant type: single nucleotide variant.
Coding change: c.3383A>G on transcript NM_000093.5 (MANE Select); coding-DNA position 3383, A replaced by G.
Protein change: p.Gln1128Arg; replaces glutamine 1128 with arginine.
Molecular consequence: missense variant.
Genome position (GRCh38, 1-based): chr9:134,809,199, A>G. VCF-style: chr9-134809199-A-G. GRCh37 (hg19) VCF-style: chr9-137701045-A-G.
Other names: c.3383A>G, p.Gln1128Arg (NM_001278074.1); short protein forms Q1128R.
Identifiers: ClinVar variation 2801740 (VCV002801740.3), dbSNP rs1838417166, ClinGen allele CA375452840.